The following is an entry in ClinVar:

ClinVar aggregate classification (germline): Benign (1 of 4 stars; one submission).

Conditions:
Landau-Kleffner syndrome (FESD). Also called: EPILEPSY, FOCAL, WITH SPEECH DISORDER AND WITH OR WITHOUT MENTAL RETARDATION; APHASIA, ACQUIRED, WITH EPILEPSY. Identifiers: Orphanet 1945, Orphanet 725, Orphanet 98818, MedGen C0282512, MONDO:0009509, OMIM 245570.

Allele frequency attached by ClinVar (database versions not stated): 1000 Genomes Project 30x 0.04138; 1000 Genomes Project 0.03934; TOPMed 0.04299.
gnomAD v4.1: 6,606 of 200,584 alleles (3.3%); highest among the groups gnomAD compares: African/African-American, 11%; 249 homozygotes.

Submission:

Illumina Laboratory Services, Illumina
Classification: Benign for Landau-Kleffner syndrome. Last evaluated: 2018-01-12. Review status: criteria provided, single submitter. Criteria: ICSL Variant Classification Criteria 13 December 2019. Collection method: clinical testing. Allele origin: germline.
Comment: This variant was observed in the ICSL laboratory as part of a predisposition screen in an ostensibly healthy population. It had not been previously curated by ICSL or reported in the Human Gene Mutation Database (HGMD: prior to June 1st, 2018), and was therefore a candidate for classification through an automated scoring system. Utilizing variant allele frequency, disease prevalence and penetrance estimates, and inheritance mode, an automated score was calculated to assess if this variant is too frequent to cause the disease. Based on the score and internal cut-off values, a variant classified as benign is not then subjected to further curation. The score for this variant resulted in a classification of benign for this disease.

NM_001134407.3(GRIN2A):c.*7324G>A

Gene: GRIN2A (glutamate ionotropic receptor NMDA type subunit 2A; minus strand). Cytogenetic location: 16p13.2.
Variant type: single nucleotide variant.
Coding change: c.*7324G>A on transcript NM_001134407.3 (MANE Select); 7324 bases downstream of the stop codon, G replaced by A.
Molecular consequence: 3 prime UTR variant.
Genome position (GRCh38, 1-based): chr16:9,755,825, C>T on the plus strand (G>A on the coding strand, the complement: GRIN2A is on the minus strand). VCF-style: chr16-9755825-C-T. GRCh37 (hg19) VCF-style: chr16-9849682-C-T.
Other names: c.*7324G>A (NM_000833.5); c.*7530G>A (NM_001134408.2).
Identifiers: ClinVar variation 321485 (VCV000321485.5), dbSNP rs16966244, ClinGen allele CA10649388.
Genomic context (GRCh38, chr16:9,755,825, plus strand): 5'-TCCAGTTCAACACTCTTCAGTGGGACAGAATAACCGTCATTATCCTAATGCTAAGTGAGC[C>T]GGGAATTATCTCTAAGACAATTTGGAAAAGAAAAAAAAAAAGGAACAGACCAAGAAGGAA-3'